The following is an entry in ClinVar:

ClinVar aggregate classification (germline): Likely pathogenic (1 of 4 stars; one submission).

Conditions:
Familial dysautonomia. Also called: HSAN III; FD. Identifiers: Orphanet 1764, MedGen C0013364, MONDO:0009131, OMIM 223900. Disease mechanism: loss of function.

Submission:

Natera, Inc.
Classification: Likely pathogenic for Familial dysautonomia. Last evaluated: 2025-11-13. Review status: criteria provided, single submitter. Criteria: Natera Variant Classification Schema (03/2026). Collection method: clinical testing. Allele origin: germline.
Comment: The c.1097G>A variant in ELP1 is a nonsense variant predicted to introduce a stop codon at amino acid 366. This variant is expected to result in nonsense mediated decay, truncation, or a dysfunctional protein product. This variant is rare in the general population with a frequency below the threshold expected for the associated phenotype(s). Given the available evidence, this variant is classified as Likely Pathogenic.

NM_003640.5(ELP1):c.1097G>A (p.Trp366Ter)

Gene: ELP1 (elongator acetyltransferase complex subunit 1; minus strand). Cytogenetic location: 9q31.3.
Variant type: single nucleotide variant.
Coding change: c.1097G>A on transcript NM_003640.5 (MANE Select); coding-DNA position 1097, G replaced by A.
Protein change: p.Trp366Ter; replaces tryptophan 366 with a stop codon.
Molecular consequence: nonsense.
Genome position (GRCh38, 1-based): chr9:108,912,356, C>T on the plus strand (G>A on the coding strand, the complement: ELP1 is on the minus strand). VCF-style: chr9-108912356-C-T. GRCh37 (hg19) VCF-style: chr9-111674636-C-T.
Other names: c.755G>A, p.Trp252Ter (NM_001318360.2); c.50G>A, p.Trp17Ter (NM_001330749.2); short protein forms W17*, W252*, W366*.
Identifiers: ClinVar variation 4815165 (VCV004815165.1).